The following is an entry in ClinVar:

ClinVar aggregate classification (germline): Likely benign (1 of 4 stars; one submission).

Allele frequency attached by ClinVar (database versions not stated): ExAC 0.00001; gnomAD exomes 0.00001; gnomAD 0.00005; ESP Exome Variant Server 0.00008; TOPMed 0.00008; 1000 Genomes Project 30x 0.00016; 1000 Genomes Project 0.00020.
gnomAD v4.1: 19 of 1,611,160 alleles (0.0012%); highest among the groups gnomAD compares: African/African-American, 0.019%; no homozygotes.

Submission:

CeGaT Center for Human Genetics Tuebingen
Classification: Likely benign. Last evaluated: 2023-10-01. Review status: criteria provided, single submitter. Criteria: CeGaT Center For Human Genetics Tuebingen Variant Classification Criteria Version 2. Collection method: clinical testing. Allele origin: germline. Affected: yes. Observed: 1 variant allele.
Comment: CUX1: BP4, BS2

NM_181552.4(CUX1):c.1968C>T (p.Ile656=)

Gene: CUX1 (cut like homeobox 1; plus strand). Cytogenetic location: 7q22.1.
Variant type: single nucleotide variant.
Coding change: c.1968C>T on transcript NM_181552.4 (MANE Select); coding-DNA position 1968, C replaced by T.
Protein change: p.Ile656=; no amino-acid change (isoleucine 656 retained).
Molecular consequence: synonymous variant. On other transcripts: intron variant (5).
Genome position (GRCh38, 1-based): chr7:102,200,078, C>T. VCF-style: chr7-102200078-C-T. GRCh37 (hg19) VCF-style: chr7-101843358-C-T.
Other names: c.2001C>T, p.Ile667= (NM_001202543.2); c.1255+4475C>T (NM_001913.5); c.1249+4475C>T (NM_181500.4); c.1117+4475C>T (NM_001202545.3); c.1207+4475C>T (NM_001202544.3); c.1138+4475C>T (NM_001202546.3).
Identifiers: ClinVar variation 2657864 (VCV002657864.24), dbSNP rs139575853, ClinGen allele CA4410947.